The following is an entry in ClinVar:

ClinVar aggregate classification (germline): Conflicting classifications of pathogenicity. Review status: criteria provided, conflicting classifications (1 of 4 stars). 5 submissions from 5 submitters: Uncertain significance (3); Benign (1). 1 of the submissions does not count toward it. Last evaluated 2025-09-22.

Conditions:
Hereditary cancer-predisposing syndrome. Also called: Hereditary Cancer Syndrome; Neoplastic Syndromes, Hereditary; Tumor predisposition; Hereditary neoplastic syndrome. Identifiers: Orphanet 140162, MedGen C0027672, MeSH D009386, MONDO:0015356.
Familial melanoma. Also called: Hereditary melanoma; Hereditary cutaneous melanoma. Identifiers: Orphanet 618, MedGen C1512419, MONDO:0018961.
CDKN2A-related disorder. Also called: CDKN2A-related condition.

Allele frequency attached by ClinVar (database versions not stated): gnomAD 0.00001; gnomAD exomes below 0.00001; TOPMed below 0.00001.
gnomAD v4.1: 3 of 1,613,448 alleles (0.00019%); highest among the groups gnomAD compares: Non-Finnish European, 0.00025%; no homozygotes.

Submissions (5):

Labcorp Genetics (formerly Invitae), Labcorp
Classification: Uncertain significance for Familial melanoma. Last evaluated: 2025-09-22. Review status: criteria provided, single submitter. Criteria: Invitae Variant Classification Sherloc (09022015). Collection method: clinical testing. Allele origin: germline.
Comment: This sequence change falls in intron 1 of the CDKN2A (p16INK4a) gene. It does not directly change the encoded amino acid sequence of the CDKN2A (p16INK4a) protein. It affects a nucleotide within the consensus splice site. This variant is not present in population databases (gnomAD no frequency). This variant has not been reported in the literature in individuals affected with CDKN2A (p16INK4a)-related conditions. ClinVar contains an entry for this variant (Variation ID: 491565). Variants that disrupt the consensus splice site are a relatively common cause of aberrant splicing (PMID: 17576681, 9536098). Algorithms developed to predict the effect of sequence changes on RNA splicing suggest that this variant is not likely to affect RNA splicing. In summary, the available evidence is currently insufficient to determine the role of this variant in disease. Therefore, it has been classified as a Variant of Uncertain Significance.

Color Diagnostics, LLC DBA Color Health
Classification: Uncertain significance for Hereditary cancer-predisposing syndrome. Last evaluated: 2024-06-17. Review status: criteria provided, single submitter. Criteria: ACMG Guidelines, 2015. Collection method: clinical testing. Allele origin: germline.
Comment: The CDKN2A locus encodes two different gene products, p16INK4a and p14ARF. This variant causes a T to C nucleotide substitution at the +6 position of intron 1 of the CDKN2A (p16INK4A) gene. To our knowledge, RNA studies have not been reported for this variant. This variant has not been reported in individuals affected with CDKN2A-related disorders in the literature. This variant has not been identified in the general population by the Genome Aggregation Database (gnomAD). The available evidence is insufficient to determine the role of this variant in disease conclusively. Therefore, this variant is classified as a Variant of Uncertain Significance.

Sema4
Classification: Uncertain significance for Hereditary cancer-predisposing syndrome. Last evaluated: 2021-08-23. Review status: criteria provided, single submitter. Criteria: Sema4 Curation Guidelines. Collection method: curation. Allele origin: germline.
Comment: The CDKN2A c.150+6T>C variant has not been reported in the literature to our knowledge. It was not observed in the large and broad cohorts of the Genome Aggregation Database. The variant has been reported in ClinVar (Variation ID 491565). One computational tool suggests that this variant may have an impact on splicing but others suggest that the variant is benign, but these predictions have not been confirmed by functional studies.The evidence is insufficient to meet ACMG/AMP criteria for classifying the variant as benign or pathogenic. Thus, the clinical significance of this variant is currently uncertain.

GeneDx
Classification: Benign. Last evaluated: 2015-08-21. Review status: criteria provided, single submitter. Criteria: GeneDx Variant Classification Process June 2021. Collection method: clinical testing. Allele origin: germline. Affected: yes.

PreventionGenetics, part of Exact Sciences
Classification: Likely benign for CDKN2A-related condition. Last evaluated: 2023-08-18. Review status: no assertion criteria provided. Collection method: clinical testing. Allele origin: germline. Not counted in ClinVar's aggregate classification.
Comment: This variant is classified as likely benign based on ACMG/AMP sequence variant interpretation guidelines (Richards et al. 2015 PMID: 25741868, with internal and published modifications).

Literature cited by the submitters: PubMed 17576681 (cited by Labcorp Genetics (formerly Invitae), Labcorp); PubMed 9536098 (cited by Labcorp Genetics (formerly Invitae), Labcorp).

NM_000077.5(CDKN2A):c.150+6T>C

Gene: CDKN2A (cyclin dependent kinase inhibitor 2A; minus strand). Cytogenetic location: 9p21.3.
Variant type: single nucleotide variant.
Coding change: c.150+6T>C on transcript NM_000077.5 (MANE Select); 6 bases into the intron after coding-DNA position 150, T replaced by C.
Molecular consequence: intron variant. On other transcripts: synonymous variant (1).
Genome position (GRCh38, 1-based): chr9:21,974,672, A>G on the plus strand (T>C on the coding strand, the complement: CDKN2A is on the minus strand). VCF-style: chr9-21974672-A-G. GRCh37 (hg19) VCF-style: chr9-21974671-A-G.
Other names: c.156T>C, p.Gly52= (NM_058197.5); c.-3-3464T>C (NM_001363763.2); c.194-3464T>C (NM_058195.4); c.150+6T>C (NM_001195132.2); c.156T>C (NM_058197.4).
Identifiers: ClinVar variation 491565 (VCV000491565.18), dbSNP rs1025333664, ClinGen allele CA190732829.
Genomic context (GRCh38, chr9:21,974,672, plus strand): 5'-CCCTGCAAACTTCGTCCTCCAGAGTCGCCCGCCATCCCCTGCTCCCGCTGCAGACCCTCT[A>G]CCCACCTGGATCGGCCTCCGACCGTAACTATTCGGTGCGTTGGGCAGCGCCCCCGCCTCC-3'